The following is an entry in ClinVar:

NM_001304360.2(CFAP74):c.1015C>T (p.Arg339Cys)

Gene: CFAP74 (cilia and flagella associated protein 74; minus strand). Cytogenetic location: 1p36.33.
Variant type: single nucleotide variant.
Coding change: c.1015C>T on transcript NM_001304360.2 (MANE Select); coding-DNA position 1015, C replaced by T.
Protein change: p.Arg339Cys; replaces arginine 339 with cysteine.
Molecular consequence: missense variant.
Genome position (GRCh38, 1-based): chr1:1,970,690, G>A on the plus strand (C>T on the coding strand, the complement: CFAP74 is on the minus strand). VCF-style: chr1-1970690-G-A. GRCh37 (hg19) VCF-style: chr1-1902129-G-A.
Other names: short protein forms R339C.
Identifiers: ClinVar variation 4820736 (VCV004820736.4).
Genomic context (GRCh38, chr1:1,970,690, plus strand): 5'-CCCGGTGGCACCTCTGCCACCACCCTCACCTCTTCTGGGCCTCCAGCTCCTGGCGCCGGC[G>A]CTGGTGGACAAGGTGCCTGAATGCATCCCTGCCCTGGGCCAGAATCGCCTTCTTCTCAGC-3'
Protein context (NP_001291289.1, residues 329-349): RDAFRHLVHQ[Arg339Cys]RRQELEAQKR

ClinVar aggregate classification (germline): Likely benign (1 of 4 stars; one submission).

gnomAD v4.1: 7,722 of 1,613,012 alleles (0.48%); highest among the groups gnomAD compares: Non-Finnish European, 0.5%; 28 homozygotes.

Submission:

CeGaT Center for Human Genetics Tuebingen
Classification: Likely benign. Last evaluated: 2026-03-01. Review status: criteria provided, single submitter. Criteria: CeGaT Center For Human Genetics Tuebingen Variant Classification Criteria Version 2. Collection method: clinical testing. Allele origin: germline. Affected: yes. Observed: 1 variant allele.
Comment: CFAP74: BP4, BS2